The following is an entry in ClinVar:

ClinVar aggregate classification (germline): Uncertain significance. Review status: criteria provided, multiple submitters, no conflicts (2 of 4 stars). 2 submissions from 2 submitters: Uncertain significance (2). Last evaluated 2024-12-28.

Conditions:
Inborn genetic diseases. Identifiers: MedGen C0950123, MeSH D030342.
Mosaic variegated aneuploidy syndrome 2 (MVA2). Identifiers: Orphanet 1052, MedGen C3279843, MONDO:0013582, OMIM 614114.

Submissions (2):

Ambry Genetics
Classification: Uncertain significance for Inborn genetic diseases. Last evaluated: 2024-12-28. Review status: criteria provided, single submitter. Criteria: Ambry Variant Classification Scheme 2023. Collection method: clinical testing. Allele origin: germline.
Comment: The p.Q428E variant (also known as c.1282C>G), located in coding exon 11 of the CEP57 gene, results from a C to G substitution at nucleotide position 1282. The glutamine at codon 428 is replaced by glutamic acid, an amino acid with highly similar properties. This amino acid position is conserved. In addition, this alteration is predicted to be tolerated by in silico analysis. Based on the available evidence, the clinical significance of this variant remains unclear.

Labcorp Genetics (formerly Invitae), Labcorp
Classification: Uncertain significance for Mosaic variegated aneuploidy syndrome 2. Last evaluated: 2021-07-01. Review status: criteria provided, single submitter. Criteria: Invitae Variant Classification Sherloc (09022015). Collection method: clinical testing. Allele origin: germline.
Comment: Algorithms developed to predict the effect of missense changes on protein structure and function (SIFT, PolyPhen-2, Align-GVGD) all suggest that this variant is likely to be tolerated. This variant has not been reported in the literature in individuals affected with CEP57-related conditions. This sequence change replaces glutamine with glutamic acid at codon 428 of the CEP57 protein (p.Gln428Glu). The glutamine residue is highly conserved and there is a small physicochemical difference between glutamine and glutamic acid. This variant is not present in population databases (ExAC no frequency). In summary, the available evidence is currently insufficient to determine the role of this variant in disease. Therefore, it has been classified as a Variant of Uncertain Significance.

NM_014679.5(CEP57):c.1282C>G (p.Gln428Glu)

Gene: CEP57 (centrosomal protein 57; plus strand). Cytogenetic location: 11q21.
Variant type: single nucleotide variant.
Coding change: c.1282C>G on transcript NM_014679.5 (MANE Select); coding-DNA position 1282, C replaced by G.
Protein change: p.Gln428Glu; replaces glutamine 428 with glutamic acid.
Molecular consequence: missense variant.
Genome position (GRCh38, 1-based): chr11:95,831,035, C>G. VCF-style: chr11-95831035-C-G. GRCh37 (hg19) VCF-style: chr11-95564199-C-G.
Other names: c.1282C>G (NM_014679.4); c.1255C>G, p.Gln419Glu (NM_001243776.2); c.1204C>G, p.Gln402Glu (NM_001243777.2); c.1201C>G, p.Gln401Glu (NM_001363604.2); short protein forms Q402E, Q419E, Q428E, Q401E.
Identifiers: ClinVar variation 1488066 (VCV001488066.9), dbSNP rs2135383836, ClinGen allele CA382409201.